The following is an entry in ClinVar:

NM_005560.6(LAMA5):c.4652+7G>A

Gene: LAMA5 (laminin subunit alpha 5; minus strand). Cytogenetic location: 20q13.33.
Variant type: single nucleotide variant.
Coding change: c.4652+7G>A on transcript NM_005560.6 (MANE Select); 7 bases into the intron after coding-DNA position 4652, G replaced by A.
Molecular consequence: intron variant.
Genome position (GRCh38, 1-based): chr20:62,328,234, C>T on the plus strand (G>A on the coding strand, the complement: LAMA5 is on the minus strand). VCF-style: chr20-62328234-C-T. GRCh37 (hg19) VCF-style: chr20-60903290-C-T.
Other names: c.4652+7G>A (NM_005560.4).
Identifiers: ClinVar variation 916466 (VCV000916466.45), dbSNP rs181124267, ClinGen allele CA9942541.
Genomic context (GRCh38, chr20:62,328,234, plus strand): 5'-TCTGGCTAGAGGAAATGCTGTCCTTAAGGCCACCAGGGGCCGCGCTGACGCCGCTCTGGG[C>T]TCTCACTTGCACTGGCCGCTGTCTGTGTCACAGGTAGGGTCTGTGAGCTCCTGGATGCCG-3'

ClinVar aggregate classification (germline): Likely benign. Review status: criteria provided, multiple submitters, no conflicts (2 of 4 stars). 3 submissions from 3 submitters: Likely benign (3). Last evaluated 2025-11-29.

Conditions:
LAMA5-related disorder. Also called: LAMA5-related condition; LAMA5-Related Disorders.

Allele frequency attached by ClinVar (database versions not stated): gnomAD exomes 0.00003; ExAC 0.00007; gnomAD 0.00012; 1000 Genomes Project 30x 0.00016; 1000 Genomes Project 0.00020; TOPMed 0.00021.
gnomAD v4.1: 44 of 1,596,336 alleles (0.0028%); highest among the groups gnomAD compares: African/African-American, 0.049%; no homozygotes.

Submissions (3):

Labcorp Genetics (formerly Invitae), Labcorp
Classification: Likely benign. Last evaluated: 2025-11-29. Review status: criteria provided, single submitter. Criteria: Invitae Variant Classification Sherloc (09022015). Collection method: clinical testing. Allele origin: germline.

PreventionGenetics, part of Exact Sciences
Classification: Likely benign for LAMA5-related condition. Last evaluated: 2024-12-20. Review status: criteria provided, single submitter. Criteria: ACMG Guidelines, 2015. Collection method: clinical testing. Allele origin: germline.
Comment: This variant is classified as likely benign based on ACMG/AMP sequence variant interpretation guidelines (Richards et al. 2015 PMID: 25741868, with internal and published modifications).

CeGaT Center for Human Genetics Tuebingen
Classification: Likely benign. Last evaluated: 2020-03-01. Review status: criteria provided, single submitter. Criteria: CeGaT Center For Human Genetics Tuebingen Variant Classification Criteria Version 2. Collection method: clinical testing. Allele origin: germline. Affected: yes. Observed: 1 variant allele.